The following is an entry in ClinVar:

ClinVar aggregate classification (germline): Conflicting classifications of pathogenicity. Review status: criteria provided, conflicting classifications (1 of 4 stars). 5 submissions from 5 submitters: Uncertain significance (2); Likely benign (1). 2 of the submissions do not count toward it. Last evaluated 2026-02-14.

Conditions:
Intellectual disability. Also called: intellectual disabilities; Intellectual functioning disability; Intellectual developmental disorder. Identifiers: MedGen C3714756, MeSH D008607, MONDO:0001071, HP:0001249.

Allele frequency attached by ClinVar (database versions not stated): 1000 Genomes Project 30x 0.00016; gnomAD 0.00091 and 0.00096; 1000 Genomes Project 0.00020; ExAC 0.00115; ESP Exome Variant Server 0.00123; gnomAD exomes 0.00101 and 0.00139; TOPMed 0.00105.

Submissions (5):

GeneDx
Classification: Uncertain significance. Last evaluated: 2026-02-14. Review status: criteria provided, single submitter. Criteria: GeneDx Variant Classification Process June 2021. Collection method: clinical testing. Allele origin: germline.
Comment: In silico analysis supports that this missense variant has a deleterious effect on protein structure/function; Has not been previously published as pathogenic or benign to our knowledge

Women's Health and Genetics/Laboratory Corporation of America, LabCorp
Classification: Likely benign. Last evaluated: 2025-09-30. Review status: criteria provided, single submitter. Criteria: LabCorp Variant Classification Summary - May 2015. Collection method: clinical testing. Allele origin: germline.

Cambridge Genomics Laboratory, East Genomic Laboratory Hub, NHS Genomic Medicine Service
Classification: Uncertain significance for Intellectual disability. Last evaluated: 2020-03-20. Review status: criteria provided, single submitter. Criteria: ACGS Best Practice Guidelines for Variant Classification in Rare Disease 2020. Collection method: clinical testing. Allele origin: germline. Affected: yes. Observed: 1 variant allele.

Clinical Genetics DNA and cytogenetics Diagnostics Lab, Erasmus MC, Erasmus Medical Center
Classification: Uncertain significance. Review status: no assertion criteria provided. Collection method: clinical testing. Allele origin: germline. Affected: yes. Study: VKGL Data-share Consensus. Not counted in ClinVar's aggregate classification.

Diagnostic Laboratory, Department of Genetics, University Medical Center Groningen
Classification: Uncertain significance. Review status: no assertion criteria provided. Collection method: clinical testing. Allele origin: germline. Affected: yes. Study: VKGL Data-share Consensus. Not counted in ClinVar's aggregate classification.

NM_001170535.3(ATAD3A):c.604G>A (p.Glu202Lys)

Gene: ATAD3A (ATPase family AAA domain containing 3A; plus strand). Cytogenetic location: 1p36.33.
Variant type: single nucleotide variant.
Coding change: c.604G>A on transcript NM_001170535.3 (MANE Select); coding-DNA position 604, G replaced by A.
Protein change: p.Glu202Lys; replaces glutamic acid 202 with lysine.
Molecular consequence: missense variant.
Genome position (GRCh38, 1-based): chr1:1,520,230, G>A. VCF-style: chr1-1520230-G-A. GRCh37 (hg19) VCF-style: chr1-1455610-G-A.
Other names: c.604G>A (NM_001170535.1); c.367G>A, p.Glu123Lys (NM_001170536.3); c.748G>A, p.Glu250Lys (NM_018188.5); short protein forms E123K, E202K, E250K.
Identifiers: ClinVar variation 1328210 (VCV001328210.5), dbSNP rs148455993, ClinGen allele CA525868.